The following is an entry in ClinVar:

NM_003922.4(HERC1):c.959G>C (p.Arg320Thr)

Gene: HERC1 (HECT and RLD domain containing E3 ubiquitin protein ligase family member 1; minus strand). Cytogenetic location: 15q22.31.
Variant type: single nucleotide variant.
Coding change: c.959G>C on transcript NM_003922.4 (MANE Select); coding-DNA position 959, G replaced by C.
Protein change: p.Arg320Thr; replaces arginine 320 with threonine.
Molecular consequence: missense variant.
Genome position (GRCh38, 1-based): chr15:63,764,163, C>G on the plus strand (G>C on the coding strand, the complement: HERC1 is on the minus strand). VCF-style: chr15-63764163-C-G. GRCh37 (hg19) VCF-style: chr15-64056362-C-G.
Other names: c.959G>C (NM_003922.3); short protein forms R320T.
Identifiers: ClinVar variation 2184914 (VCV002184914.2), dbSNP rs376495434, ClinGen allele CA7606565.
Genomic context (GRCh38, chr15:63,764,163, plus strand): 5'-AAGAGACATAATGCTGCCTCGTAAAGGGAGCACAAGCCATCCGATGTTCTGGTTGGTTCT[C>G]TCCACTGACTCCGATCAGCAGATGAACCCTATAATTAAAACATTGCGGGACACAGCGTAG-3'
Protein context (NP_003913.3, residues 310-330): LGSSADRSQW[Arg320Thr]EPTRTSDGLC

ClinVar aggregate classification (germline): Uncertain significance. Review status: criteria provided, multiple submitters, no conflicts (2 of 4 stars). 2 submissions from 2 submitters: Uncertain significance (2). Last evaluated 2025-05-23.

Conditions:
Inborn genetic diseases. Identifiers: MedGen C0950123, MeSH D030342.

Allele frequency attached by ClinVar (database versions not stated): gnomAD exomes 0.00002; ExAC 0.00009; 1000 Genomes Project 30x 0.00016; ESP Exome Variant Server 0.00008; gnomAD 0.00005; TOPMed 0.00005; 1000 Genomes Project 0.00020.
gnomAD v4.1: 39 of 1,610,470 alleles (0.0024%); highest among the groups gnomAD compares: Admixed American, 0.018%; no homozygotes.

Submissions (2):

Ambry Genetics
Classification: Uncertain significance for Inborn genetic diseases. Last evaluated: 2025-05-23. Review status: criteria provided, single submitter. Criteria: Ambry Variant Classification Scheme 2023. Collection method: clinical testing. Allele origin: germline.

Labcorp Genetics (formerly Invitae), Labcorp
Classification: Uncertain significance. Last evaluated: 2022-08-21. Review status: criteria provided, single submitter. Criteria: Invitae Variant Classification Sherloc (09022015). Collection method: clinical testing. Allele origin: germline.
Comment: This sequence change replaces arginine, which is basic and polar, with threonine, which is neutral and polar, at codon 320 of the HERC1 protein (p.Arg320Thr). This variant is present in population databases (rs376495434, gnomAD 0.03%). This variant has not been reported in the literature in individuals affected with HERC1-related conditions. Algorithms developed to predict the effect of missense changes on protein structure and function are either unavailable or do not agree on the potential impact of this missense change (SIFT: "Deleterious"; PolyPhen-2: "Benign"; Align-GVGD: "Class C0"). In summary, the available evidence is currently insufficient to determine the role of this variant in disease. Therefore, it has been classified as a Variant of Uncertain Significance.